The following is an entry in ClinVar:

ClinVar aggregate classification (germline): Uncertain significance (1 of 4 stars; one submission).

Conditions:
ELN-related disorder.

Allele frequency attached by ClinVar (database versions not stated): TOPMed below 0.00001; ExAC 0.00001.
gnomAD v4.1: 24 of 1,613,972 alleles (0.0015%); highest among the groups gnomAD compares: Non-Finnish European, 0.0019%; no homozygotes.

Submission:

PreventionGenetics, part of Exact Sciences
Classification: Uncertain significance for ELN-related condition. Last evaluated: 2023-09-14. Review status: criteria provided, single submitter. Criteria: ACMG Guidelines, 2015. Collection method: clinical testing. Allele origin: germline.
Comment: The ELN c.752G>A variant is predicted to result in the amino acid substitution p.Gly251Asp. To our knowledge, this variant has not been reported in the literature. This variant is reported in 0.00090% of alleles in individuals of European (Non-Finnish) descent in gnomAD. At this time, the clinical significance of this variant is uncertain due to the absence of conclusive functional and genetic evidence.

NM_000501.4(ELN):c.752G>A (p.Gly251Asp)

Gene: ELN (elastin; plus strand). Cytogenetic location: 7q11.23.
Variant type: single nucleotide variant.
Coding change: c.752G>A on transcript NM_000501.4 (MANE Select); coding-DNA position 752, G replaced by A.
Protein change: p.Gly251Asp; replaces glycine 251 with aspartic acid.
Molecular consequence: missense variant.
Genome position (GRCh38, 1-based): chr7:74,048,509, G>A. VCF-style: chr7-74048509-G-A. GRCh37 (hg19) VCF-style: chr7-73462839-G-A.
Other names: c.722G>A, p.Gly241Asp (NM_001081752.3, NM_001278917.2); c.767G>A, p.Gly256Asp (NM_001081753.3, NM_001081754.3); c.752G>A, p.Gly251Asp (NM_001081755.3, NM_001278912.2, NM_001278915.2 and 1 more transcripts); c.644G>A, p.Gly215Asp (NM_001278913.2); c.737G>A, p.Gly246Asp (NM_001278914.2); c.710G>A, p.Gly237Asp (NM_001278916.2); c.620G>A, p.Gly207Asp (NM_001278918.2); short protein forms G207D, G215D, G237D, G241D, G246D, G251D, G256D.
Identifiers: ClinVar variation 2635822 (VCV002635822.1), dbSNP rs782225578, ClinGen allele CA4292681.